The following is an entry in ClinVar:

NM_032634.4(PIGO):c.380C>G (p.Pro127Arg)

Gene: PIGO (phosphatidylinositol glycan anchor biosynthesis class O; minus strand). Cytogenetic location: 9p13.3.
Variant type: single nucleotide variant.
Coding change: c.380C>G on transcript NM_032634.4 (MANE Select); coding-DNA position 380, C replaced by G.
Protein change: p.Pro127Arg; replaces proline 127 with arginine.
Molecular consequence: missense variant.
Genome position (GRCh38, 1-based): chr9:35,095,186, G>C on the plus strand (C>G on the coding strand, the complement: PIGO is on the minus strand). VCF-style: chr9-35095186-G-C. GRCh37 (hg19) VCF-style: chr9-35095183-G-C.
Other names: c.380C>G, p.Pro127Arg (NM_001201484.2, NM_152850.4); short protein forms P127R.
Identifiers: ClinVar variation 2662400 (VCV002662400.1), dbSNP rs759263626, ClinGen allele CA5040956.
Genomic context (GRCh38, chr9:35,095,186, plus strand): 5'-ATAAAGGTAGGCAGTGAGCCAGTGGTGAGGGCCTTGAGGCGCTGCATGGTGGTGGTAGGA[G>C]GGTCAACCTGAGATCGGTAGAGCCGGGCATGGTGGGGCTGAATCTCCAGGATCCTCTGCA-3'
Protein context (NP_116023.2, residues 117-137): HARLYRSQVD[Pro127Arg]PTTTMQRLKA

ClinVar aggregate classification (germline): Uncertain significance (1 of 4 stars; one submission).

Allele frequency attached by ClinVar (database versions not stated): gnomAD exomes below 0.00001; gnomAD 0.00001; TOPMed 0.00001; ExAC 0.00002.

Submission:

GeneDx
Classification: Uncertain significance. Last evaluated: 2023-05-15. Review status: criteria provided, single submitter. Criteria: GeneDx Variant Classification Process June 2021. Collection method: clinical testing. Allele origin: germline. Affected: yes.
Comment: Not observed at significant frequency in large population cohorts (gnomAD); In silico analysis supports that this missense variant has a deleterious effect on protein structure/function; Has not been previously published as pathogenic or benign to our knowledge